The following is an entry in ClinVar:

ClinVar aggregate classification (germline): Uncertain significance (1 of 4 stars; one submission).

Submission:

Mayo Clinic Laboratories, Mayo Clinic
Classification: Uncertain significance. Last evaluated: 2025-02-12. Review status: criteria provided, single submitter. Criteria: ACMG Guidelines, 2015. Collection method: clinical testing. Allele origin: germline. Observed: 1 variant allele.
Comment: BP4, PM2_supporting

NM_006118.4(HAX1):c.172C>A (p.Pro58Thr)

Gene: HAX1 (HCLS1 associated protein X-1; plus strand). Cytogenetic location: 1q21.3.
Variant type: single nucleotide variant.
Coding change: c.172C>A on transcript NM_006118.4 (MANE Select); coding-DNA position 172, C replaced by A.
Protein change: p.Pro58Thr; replaces proline 58 with threonine.
Molecular consequence: missense variant. On other transcripts: intron variant (1).
Genome position (GRCh38, 1-based): chr1:154,273,454, C>A. VCF-style: chr1-154273454-C-A. GRCh37 (hg19) VCF-style: chr1-154245930-C-A.
Other names: p.Pro58Thr; c.54-26C>A (NM_001018837.2); short protein forms P58T.
Identifiers: ClinVar variation 4541438 (VCV004541438.1).
Genomic context (GRCh38, chr1:154,273,454, plus strand): 5'-GAAGAAGAAGGGGGCTCATGGGGCCGTGGGAACCCAAGGTTCCATAGTCCTCAGCACCCC[C>A]CTGAGGAATTTGGCTTCGGCTTCAGCTTCAGCCCAGGAGGAGGGATACGTTTCCACGATA-3'
Protein context (NP_006109.2, residues 48-68): NPRFHSPQHP[Pro58Thr]EEFGFGFSFS